The following is an entry in ClinVar:

NM_001904.4(CTNNB1):c.1082G>A (p.Gly361Asp)

Gene: CTNNB1 (catenin beta 1; plus strand). Cytogenetic location: 3p22.1.
Variant type: single nucleotide variant.
Coding change: c.1082G>A on transcript NM_001904.4 (MANE Select); coding-DNA position 1082, G replaced by A.
Protein change: p.Gly361Asp; replaces glycine 361 with aspartic acid.
Molecular consequence: missense variant.
Genome position (GRCh38, 1-based): chr3:41,233,341, G>A. VCF-style: chr3-41233341-G-A. GRCh37 (hg19) VCF-style: chr3-41274832-G-A.
Other names: c.1082G>A, p.Gly361Asp (NM_001098209.2, NM_001098210.2); c.1082G>A (NM_001904.3); c.1061G>A, p.Gly354Asp (NM_001330729.2); short protein forms G354D, G361D.
Identifiers: ClinVar variation 2975024 (VCV002975024.4), dbSNP rs1443251066, ClinGen allele CA352231984.
Genomic context (GRCh38, chr3:41,233,341, plus strand): 5'-TAGGATTGATAGGCACTTCTAGCTAATGACTAGGGCCTTATATCCTTTTTAATTTTCTAG[G>A]TGGAATGCAAGCTTTAGGACTTCACCTGACAGATCCAAGTCAACGTCTTGTTCAGAACTG-3'
Protein context (NP_001895.1, residues 351-371): SSNKPAIVEA[Gly361Asp]GMQALGLHLT

ClinVar aggregate classification (germline): Uncertain significance. Review status: criteria provided, multiple submitters, no conflicts (2 of 4 stars). 2 submissions from 2 submitters: Uncertain significance (2). Last evaluated 2024-05-16.

Submissions (2):

GeneDx
Classification: Uncertain significance. Last evaluated: 2024-05-16. Review status: criteria provided, single submitter. Criteria: GeneDx Variant Classification Process June 2021. Collection method: clinical testing. Allele origin: germline. Affected: yes.
Comment: Not observed at significant frequency in large population cohorts (gnomAD); In silico analysis supports that this missense variant has a deleterious effect on protein structure/function; Has not been previously published as pathogenic or benign to our knowledge

Labcorp Genetics (formerly Invitae), Labcorp
Classification: Uncertain significance. Last evaluated: 2023-10-14. Review status: criteria provided, single submitter. Criteria: Invitae Variant Classification Sherloc (09022015). Collection method: clinical testing. Allele origin: germline.
Comment: This sequence change replaces glycine, which is neutral and non-polar, with aspartic acid, which is acidic and polar, at codon 361 of the CTNNB1 protein (p.Gly361Asp). This variant is not present in population databases (gnomAD no frequency). This variant has not been reported in the literature in individuals affected with CTNNB1-related conditions. An algorithm developed to predict the effect of missense changes on protein structure and function (PolyPhen-2) suggests that this variant is likely to be disruptive. In summary, the available evidence is currently insufficient to determine the role of this variant in disease. Therefore, it has been classified as a Variant of Uncertain Significance.